The following is an entry in ClinVar:

NM_001378120.1(MBD5):c.856C>A (p.Gln286Lys)

Gene: MBD5 (methyl-CpG binding domain protein 5; plus strand). Cytogenetic location: 2q23.1.
Variant type: single nucleotide variant.
Coding change: c.856C>A on transcript NM_001378120.1 (MANE Select); coding-DNA position 856, C replaced by A.
Protein change: p.Gln286Lys; replaces glutamine 286 with lysine.
Molecular consequence: missense variant.
Genome position (GRCh38, 1-based): chr2:148,468,799, C>A. VCF-style: chr2-148468799-C-A. GRCh37 (hg19) VCF-style: chr2-149226368-C-A.
Other names: c.856C>A, p.Gln286Lys (NM_018328.5); short protein forms Q286K.
Identifiers: ClinVar variation 3694270 (VCV003694270.2).
Genomic context (GRCh38, chr2:148,468,799, plus strand): 5'-ATTCACCTGAATAGGACTCCTCTTTCTCCACCTTCAGTAATGCTACATGGTTCTCCTGTA[C>A]AGTCATCCTGTGCAATGGCTGGAAGGACTAATATACCTCTTTCCCCAACCTTGACTACAA-3'
Protein context (NP_001365049.1, residues 276-296): PSVMLHGSPV[Gln286Lys]SSCAMAGRTN

ClinVar aggregate classification (germline): Uncertain significance (1 of 4 stars; one submission).

Conditions:
Intellectual developmental disorder, autosomal dominant 1. Also called: MBD5 Haploinsufficiency; Intellectual disability, autosomal dominant 1. Identifiers: Orphanet 228402, MedGen C1969562, MONDO:0007974, OMIM 156200.

gnomAD v4.1: 1 of 1,613,754 alleles (0.000062%); highest among the groups gnomAD compares: Non-Finnish European, 0.000085%; no homozygotes.

Submission:

Labcorp Genetics (formerly Invitae), Labcorp
Classification: Uncertain significance for Intellectual developmental disorder, autosomal dominant 1. Last evaluated: 2024-04-02. Review status: criteria provided, single submitter. Criteria: Invitae Variant Classification Sherloc (09022015). Collection method: clinical testing. Allele origin: germline.
Comment: This sequence change replaces glutamine, which is neutral and polar, with lysine, which is basic and polar, at codon 286 of the MBD5 protein (p.Gln286Lys). This variant is not present in population databases (gnomAD no frequency). This variant has not been reported in the literature in individuals affected with MBD5-related conditions. Advanced modeling of protein sequence and biophysical properties (such as structural, functional, and spatial information, amino acid conservation, physicochemical variation, residue mobility, and thermodynamic stability) performed at Invitae indicates that this missense variant is not expected to disrupt MBD5 protein function with a negative predictive value of 80%. In summary, the available evidence is currently insufficient to determine the role of this variant in disease. Therefore, it has been classified as a Variant of Uncertain Significance.